The following is an entry in ClinVar:

NM_181078.3(IL21R):c.1592C>T (p.Ser531Leu)

Genes: IL21R (interleukin 21 receptor; plus strand), IL21R-AS1 (IL21R antisense RNA 1; minus strand). Cytogenetic location: 16p12.1.
Variant type: single nucleotide variant.
Coding change: c.1592C>T on transcript NM_181078.3 (MANE Select); coding-DNA position 1592, C replaced by T.
Protein change: p.Ser531Leu; replaces serine 531 with leucine.
Molecular consequence: missense variant. On other transcripts: non-coding transcript variant (1).
Genome position (GRCh38, 1-based): chr16:27,449,258, C>T. VCF-style: chr16-27449258-C-T. GRCh37 (hg19) VCF-style: chr16-27460579-C-T.
Other names: c.1592C>T, p.Ser531Leu (NM_021798.4); c.1658C>T, p.Ser553Leu (NM_181079.5); short protein forms S553L, S531L.
Identifiers: ClinVar variation 2170756 (VCV002170756.1), dbSNP rs374407296, ClinGen allele CA7975237.
Genomic context (GRCh38, chr16:27,449,258, plus strand): 5'-GGGACGAAGGACCCCCCCGGAGCTACCTCCGCCAGTGGGTGGTCATTCCTCCGCCACTTT[C>T]GAGCCCTGGACCCCAGGCCAGCTAATGAGGCTGACTGGATGTCCAGAGCTGGCCAGGCCA-3'
Protein context (NP_851564.1, residues 521-538): RQWVVIPPPL[Ser531Leu]SPGPQAS

ClinVar aggregate classification (germline): Uncertain significance (1 of 4 stars; one submission).

Conditions:
Cryptosporidiosis-chronic cholangitis-liver disease syndrome. Also called: IL21R immunodeficiency; Immunodeficiency type 56. Identifiers: Orphanet 357329, MedGen C3554687, MONDO:0014082, OMIM 615207.

Allele frequency attached by ClinVar (database versions not stated): TOPMed 0.00001; gnomAD exomes 0.00002; ESP Exome Variant Server 0.00008.
gnomAD v4.1: 30 of 1,606,960 alleles (0.0019%); highest among the groups gnomAD compares: South Asian, 0.0033%; no homozygotes.

Submission:

Labcorp Genetics (formerly Invitae), Labcorp
Classification: Uncertain significance for Cryptosporidiosis-chronic cholangitis-liver disease syndrome. Last evaluated: 2022-08-23. Review status: criteria provided, single submitter. Criteria: Invitae Variant Classification Sherloc (09022015). Collection method: clinical testing. Allele origin: germline.
Comment: This sequence change replaces serine, which is neutral and polar, with leucine, which is neutral and non-polar, at codon 531 of the IL21R protein (p.Ser531Leu). This variant is present in population databases (rs374407296, gnomAD 0.007%). This variant has not been reported in the literature in individuals affected with IL21R-related conditions. Algorithms developed to predict the effect of missense changes on protein structure and function (SIFT, PolyPhen-2, Align-GVGD) all suggest that this variant is likely to be tolerated. In summary, the available evidence is currently insufficient to determine the role of this variant in disease. Therefore, it has been classified as a Variant of Uncertain Significance.